The following is an entry in ClinVar:

ClinVar aggregate classification (germline): Benign (0 of 4 stars; one submission).

Conditions:
MUC16-related disorder. Also called: MUC16-related condition.

Allele frequency attached by ClinVar (database versions not stated): 1000 Genomes Project 0.00699; TOPMed 0.01050; ESP Exome Variant Server 0.01181; gnomAD exomes 0.01619; gnomAD 0.01682; ExAC 0.01871.

Submission:

PreventionGenetics, part of Exact Sciences
Classification: Benign for MUC16-related condition. Last evaluated: 2019-02-19. Review status: no assertion criteria provided. Collection method: clinical testing. Allele origin: germline.
Comment: This variant is classified as benign based on ACMG/AMP sequence variant interpretation guidelines (Richards et al. 2015 PMID: 25741868, with internal and published modifications).

NM_001401501.2(MUC16):c.44674C>G (p.Pro14892Ala)

Gene: MUC16 (mucin 16, cell surface associated; minus strand). Cytogenetic location: 19p13.2.
Variant type: single nucleotide variant.
Coding change: c.44674C>G on transcript NM_001401501.2 (MANE Select); coding-DNA position 44674, C replaced by G.
Protein change: p.Pro14892Ala; replaces proline 14892 with alanine.
Molecular consequence: missense variant.
Genome position (GRCh38, 1-based): chr19:8,868,547, G>C on the plus strand (C>G on the coding strand, the complement: MUC16 is on the minus strand). VCF-style: chr19-8868547-G-C. GRCh37 (hg19) VCF-style: chr19-8979223-G-C.
Other names: c.45100C>G, p.Pro15034Ala (NM_001414686.1); c.44554C>G, p.Pro14852Ala (NM_001414687.1); c.42148C>G, p.Pro14050Ala (NM_024690.2); short protein forms P14050A, P14852A, P14892A, P15034A.
Identifiers: ClinVar variation 3038195 (VCV003038195.2), dbSNP rs144048376, ClinGen allele CA9162495.